The following is an entry in ClinVar:

ClinVar aggregate classification (germline): Uncertain significance. Review status: criteria provided, multiple submitters, no conflicts (2 of 4 stars). 2 submissions from 2 submitters: Uncertain significance (2). Last evaluated 2022-08-09.

Conditions:
Developmental and epileptic encephalopathy, 34 (DEE34). Also called: Early infantile epileptic encephalopathy 34; SLC12A5-Related Epilepsy of Infancy with Migrating Focal Seizures. Identifiers: Orphanet 293181, MedGen C4225257, MONDO:0014718, OMIM 616645.

Allele frequency attached by ClinVar (database versions not stated): TOPMed 0.00002; gnomAD 0.00005.
gnomAD v4.1: 9 of 1,556,272 alleles (0.00058%); highest among the groups gnomAD compares: African/African-American, 0.013%; no homozygotes.

Submissions (2):

Labcorp Genetics (formerly Invitae), Labcorp
Classification: Uncertain significance for Developmental and epileptic encephalopathy, 34. Last evaluated: 2022-08-09. Review status: criteria provided, single submitter. Criteria: Invitae Variant Classification Sherloc (09022015). Collection method: clinical testing. Allele origin: germline.
Comment: This sequence change replaces isoleucine, which is neutral and non-polar, with asparagine, which is neutral and polar, at codon 792 of the SLC12A5 protein (p.Ile792Asn). This variant is present in population databases (rs769820337, gnomAD 0.01%). This variant has not been reported in the literature in individuals affected with SLC12A5-related conditions. ClinVar contains an entry for this variant (Variation ID: 655810). Algorithms developed to predict the effect of missense changes on protein structure and function are either unavailable or do not agree on the potential impact of this missense change (SIFT: "Deleterious"; PolyPhen-2: "Probably Damaging"; Align-GVGD: "Class C0"). In summary, the available evidence is currently insufficient to determine the role of this variant in disease. Therefore, it has been classified as a Variant of Uncertain Significance.

Ambry Genetics
Classification: Uncertain significance. Last evaluated: 2021-08-09. Review status: criteria provided, single submitter. Criteria: Ambry Variant Classification Scheme 2023. Collection method: clinical testing. Allele origin: germline.

NM_020708.5(SLC12A5):c.2375T>A (p.Ile792Asn)

Gene: SLC12A5 (solute carrier family 12 member 5; plus strand). Cytogenetic location: 20q13.12.
Variant type: single nucleotide variant.
Coding change: c.2375T>A on transcript NM_020708.5 (MANE Select); coding-DNA position 2375, T replaced by A.
Protein change: p.Ile792Asn; replaces isoleucine 792 with asparagine.
Molecular consequence: missense variant.
Genome position (GRCh38, 1-based): chr20:46,051,868, T>A. VCF-style: chr20-46051868-T-A. GRCh37 (hg19) VCF-style: chr20-44680507-T-A.
Other names: c.2444T>A, p.Ile815Asn (NM_001134771.2); c.2444T>A (NM_001134771.1); short protein forms I792N, I815N.
Identifiers: ClinVar variation 655810 (VCV000655810.12), dbSNP rs769820337, ClinGen allele CA9887578.